The following is an entry in ClinVar:

NM_001035.3(RYR2):c.12887A>T (p.His4296Leu)

Genes: RYR2 (ryanodine receptor 2; plus strand), LOC126806068 (BRD4-independent group 4 enhancer GRCh37_chr1:237947411-237948610; plus strand). Cytogenetic location: 1q43.
Variant type: single nucleotide variant.
Coding change: c.12887A>T on transcript NM_001035.3 (MANE Select); coding-DNA position 12887, A replaced by T.
Protein change: p.His4296Leu; replaces histidine 4296 with leucine.
Molecular consequence: missense variant.
Genome position (GRCh38, 1-based): chr1:237,784,599, A>T. VCF-style: chr1-237784599-A-T. GRCh37 (hg19) VCF-style: chr1-237947899-A-T.
Other names: short protein forms H4296L.
Identifiers: ClinVar variation 4800123 (VCV004800123.1).
Genomic context (GRCh38, chr1:237,784,599, plus strand): 5'-TGAAGGACATGGTCACGGCCTTCTTTTCATCCTACTGGAGTATTTTCATGACCCTCTTGC[A>T]CTTCGTGGCCAGCGTTTTCAGAGGCTTTTTCCGCATCATTTGCAGCCTGCTGCTTGGGGG-3'
Protein context (NP_001026.2, residues 4286-4306): SYWSIFMTLL[His4296Leu]FVASVFRGFF

ClinVar aggregate classification (germline): Uncertain significance (1 of 4 stars; one submission).

Conditions:
Catecholaminergic polymorphic ventricular tachycardia 1. Also called: VENTRICULAR TACHYCARDIA, STRESS-INDUCED POLYMORPHIC 1; RYR2-Related Catecholaminergic Polymorphic Ventricular Tachycardia; VENTRICULAR TACHYCARDIA, CATECHOLAMINERGIC POLYMORPHIC, 1, WITH OR WITHOUT ATRIAL DYSFUNCTION AND/OR DILATED CARDIOMYOPATHY. Identifiers: Orphanet 3286, MedGen C1631597, MONDO:0011484, OMIM 604772.

Submission:

Labcorp Genetics (formerly Invitae), Labcorp
Classification: Uncertain significance for Catecholaminergic polymorphic ventricular tachycardia 1. Last evaluated: 2025-12-03. Review status: criteria provided, single submitter. Criteria: Invitae Variant Classification Sherloc (09022015). Collection method: clinical testing. Allele origin: germline.
Comment: This sequence change replaces histidine, which is basic and polar, with leucine, which is neutral and non-polar, at codon 4296 of the RYR2 protein (p.His4296Leu). This variant is not present in population databases (gnomAD no frequency). This variant has not been reported in the literature in individuals affected with RYR2-related conditions. Invitae Evidence Modeling of protein sequence and biophysical properties (such as structural, functional, and spatial information, amino acid conservation, physicochemical variation, residue mobility, and thermodynamic stability) indicates that this missense variant is not expected to disrupt RYR2 protein function with a negative predictive value of 95%. In summary, the available evidence is currently insufficient to determine the role of this variant in disease. Therefore, it has been classified as a Variant of Uncertain Significance.